The following is an entry in ClinVar:

NM_133642.5(LARGE1):c.1976C>T (p.Pro659Leu)

Gene: LARGE1 (LARGE xylosyl- and glucuronyltransferase 1; minus strand). Cytogenetic location: 22q12.3.
Variant type: single nucleotide variant.
Coding change: c.1976C>T on transcript NM_133642.5 (MANE Select); coding-DNA position 1976, C replaced by T.
Protein change: p.Pro659Leu; replaces proline 659 with leucine.
Molecular consequence: missense variant.
Genome position (GRCh38, 1-based): chr22:33,277,157, G>A on the plus strand (C>T on the coding strand, the complement: LARGE1 is on the minus strand). VCF-style: chr22-33277157-G-A. GRCh37 (hg19) VCF-style: chr22-33673143-G-A.
Other names: c.1070C>T, p.Pro357Leu (NM_001378631.1); c.1976C>T, p.Pro659Leu (NM_004737.7, NM_001362949.2, NM_001362951.2 and 4 more transcripts); c.1829C>T, p.Pro610Leu (NM_001378627.1, NM_001378628.1); c.1820C>T, p.Pro607Leu (NM_001378629.1); c.1373C>T, p.Pro458Leu (NM_001378630.1); short protein forms P659L, P357L, P458L, P607L, P610L.
Identifiers: ClinVar variation 194515 (VCV000194515.11), dbSNP rs778669044, ClinGen allele CA240529.

ClinVar aggregate classification (germline): Uncertain significance. Review status: criteria provided, multiple submitters, no conflicts (2 of 4 stars). 2 submissions from 2 submitters: Uncertain significance (2). Last evaluated 2021-08-26.

Conditions:
Muscular dystrophy-dystroglycanopathy type B6 (MDDGB6). Also called: MUSCULAR DYSTROPHY-DYSTROGLYCANOPATHY (CONGENITAL WITH IMPAIRED INTELLECTUAL DEVELOPMENT), TYPE B, 6; MUSCULAR DYSTROPHY, CONGENITAL, LARGE-RELATED; MUSCULAR DYSTROPHY, CONGENITAL, TYPE 1D. Identifiers: MedGen C1837229, MONDO:0012138, OMIM 608840.

Allele frequency attached by ClinVar (database versions not stated): gnomAD exomes below 0.00001; ExAC 0.00001; TOPMed 0.00001.

Submissions (2):

Labcorp Genetics (formerly Invitae), Labcorp
Classification: Uncertain significance for Muscular dystrophy-dystroglycanopathy type B6. Last evaluated: 2021-08-26. Review status: criteria provided, single submitter. Criteria: Invitae Variant Classification Sherloc (09022015). Collection method: clinical testing. Allele origin: germline.
Comment: This sequence change replaces proline with leucine at codon 659 of the LARGE1 protein (p.Pro659Leu). The proline residue is highly conserved and there is a moderate physicochemical difference between proline and leucine. This variant is present in population databases (rs778669044, ExAC 0.01%). This variant has not been reported in the literature in individuals affected with LARGE1-related conditions. ClinVar contains an entry for this variant (Variation ID: 194515). Algorithms developed to predict the effect of missense changes on protein structure and function (SIFT, PolyPhen-2, Align-GVGD) all suggest that this variant is likely to be disruptive. In summary, the available evidence is currently insufficient to determine the role of this variant in disease. Therefore, it has been classified as a Variant of Uncertain Significance.

Eurofins Ntd Llc (ga)
Classification: Uncertain significance. Last evaluated: 2015-04-16. Review status: criteria provided, single submitter. Criteria: EGL Classification Definitions 2015. Collection method: clinical testing. Allele origin: germline. Observed: 1 variant allele, 1 heterozygote.